The following is an entry in ClinVar:

ClinVar aggregate classification (germline): Uncertain significance. Review status: criteria provided, multiple submitters, no conflicts (2 of 4 stars). 2 submissions from 2 submitters: Uncertain significance (2). Last evaluated 2026-02-23.

Submissions (2):

Women's Health and Genetics/Laboratory Corporation of America, LabCorp
Classification: Uncertain significance. Last evaluated: 2026-02-23. Review status: criteria provided, single submitter. Criteria: LabCorp Variant Classification Summary - May 2015. Collection method: clinical testing. Allele origin: germline.
Comment: Variant summary: PLA2G6 c.1046A>C (p.His349Pro) results in a non-conservative amino acid change in the encoded protein sequence. Algorithms developed to predict the effect of missense changes on protein structure and function are either unavailable or do not agree on the potential impact of this missense change. The variant was absent in 158090 control chromosomes. c.1046A>C has been observed in a compound heterozygous individual affected with infantile neuroaxonal dystrophy and in a homozygous individual with with cerebellar atrophy, hypotonia, and psychomotor delay (example: Altuame_2020, Benkirane_2021). These data indicate that the variant may be associated with disease. To our knowledge, no experimental evidence demonstrating an impact on protein function has been reported. The following publications have been ascertained in the context of this evaluation (PMID: 32357911, 34234304). ClinVar contains an entry for this variant (Variation ID: 3343863). Based on the evidence outlined above, the variant was classified as VUS-possibly pathogenic.

GeneDx
Classification: Uncertain significance. Last evaluated: 2023-05-13. Review status: criteria provided, single submitter. Criteria: GeneDx Variant Classification Process June 2021. Collection method: clinical testing. Allele origin: germline. Affected: yes.
Comment: Not observed at significant frequency in large population cohorts (gnomAD); In silico analysis supports that this missense variant has a deleterious effect on protein structure/function; This variant is associated with the following publications: (PMID: 32357911)

Literature cited by the submitters: PubMed 32357911 (cited by Women's Health and Genetics/Laboratory Corporation of America, LabCorp); PubMed 34234304 (cited by Women's Health and Genetics/Laboratory Corporation of America, LabCorp).

NM_003560.4(PLA2G6):c.1046A>C (p.His349Pro)

Gene: PLA2G6 (phospholipase A2 group VI; minus strand). Cytogenetic location: 22q13.1.
Variant type: single nucleotide variant.
Coding change: c.1046A>C on transcript NM_003560.4 (MANE Select); coding-DNA position 1046, A replaced by C.
Protein change: p.His349Pro; replaces histidine 349 with proline.
Molecular consequence: missense variant.
Genome position (GRCh38, 1-based): chr22:38,132,862, T>G on the plus strand (A>C on the coding strand, the complement: PLA2G6 is on the minus strand). VCF-style: chr22-38132862-T-G. GRCh37 (hg19) VCF-style: chr22-38528869-T-G.
Other names: c.1046A>C, p.His349Pro (NM_001004426.3, NM_001199562.3, NM_001349864.2 and 2 more transcripts); c.512A>C, p.His171Pro (NM_001349867.2, NM_001349869.2); c.368A>C, p.His123Pro (NM_001349868.2); short protein forms H123P, H171P, H349P.
Identifiers: ClinVar variation 3343863 (VCV003343863.2).